The following is an entry in ClinVar:

NM_006904.7(PRKDC):c.9557+8G>A

Gene: PRKDC (protein kinase, DNA-activated, catalytic subunit; minus strand). Cytogenetic location: 8q11.21.
Variant type: single nucleotide variant.
Coding change: c.9557+8G>A on transcript NM_006904.7 (MANE Select); 8 bases into the intron after coding-DNA position 9557, G replaced by A.
Molecular consequence: intron variant.
Genome position (GRCh38, 1-based): chr8:47,817,442, C>T on the plus strand (G>A on the coding strand, the complement: PRKDC is on the minus strand). VCF-style: chr8-47817442-C-T. GRCh37 (hg19) VCF-style: chr8-48730003-C-T.
Other names: c.9557+8G>A (NM_001081640.2).
Identifiers: ClinVar variation 384914 (VCV000384914.12), dbSNP rs8178209, ClinGen allele CA4739546.

ClinVar aggregate classification (germline): Benign/Likely benign. Review status: criteria provided, multiple submitters, no conflicts (2 of 4 stars). 3 submissions from 3 submitters: Benign (1); Likely benign (2). Last evaluated 2026-01-24.

Conditions:
Severe combined immunodeficiency due to DNA-PKcs deficiency. Also called: IMMUNODEFICIENCY 26 WITH NEUROLOGIC ABNORMALITIES; Immunodeficiency 26 with or without neurologic abnormalities. Identifiers: Orphanet 317425, MedGen C4014833, MONDO:0014423, OMIM 615966.

Allele frequency attached by ClinVar (database versions not stated): gnomAD exomes 0.00021 and 0.00062; ExAC 0.00165; ESP Exome Variant Server 0.00274; TOPMed 0.00293; gnomAD 0.00294 and 0.00313; 1000 Genomes Project 0.00339; 1000 Genomes Project 30x 0.00437.
gnomAD v4.1: 747 of 1,556,180 alleles (0.048%); highest among the groups gnomAD compares: African/African-American, 0.94%; 4 homozygotes.

Submissions (3):

Labcorp Genetics (formerly Invitae), Labcorp
Classification: Benign for Severe combined immunodeficiency due to DNA-PKcs deficiency. Last evaluated: 2026-01-24. Review status: criteria provided, single submitter. Criteria: Invitae Variant Classification Sherloc (09022015). Collection method: clinical testing. Allele origin: germline.

Blueprint Genetics
Classification: Likely benign. Last evaluated: 2024-09-04. Review status: criteria provided, single submitter. Criteria: ACMG Guidelines, 2015. Collection method: clinical testing. Allele origin: germline.

GeneDx
Classification: Likely benign. Last evaluated: 2016-03-22. Review status: criteria provided, single submitter. Criteria: GeneDx Variant Classification (06012015). Collection method: clinical testing. Allele origin: germline. Affected: yes.
Comment: This variant is considered likely benign or benign based on one or more of the following criteria: it is a conservative change, it occurs at a poorly conserved position in the protein, it is predicted to be benign by multiple in silico algorithms, and/or has population frequency not consistent with disease.